The following is an entry in ClinVar:

ClinVar aggregate classification (germline): Conflicting classifications of pathogenicity. Review status: criteria provided, conflicting classifications (1 of 4 stars). 4 submissions from 4 submitters: Uncertain significance (3); Likely benign (1). Last evaluated 2026-02-24.

Conditions:
Ullrich congenital muscular dystrophy 2 (UCMD2). Identifiers: Orphanet 75840, MedGen C4225314, MONDO:0014654, OMIM 616470.
Bethlem myopathy 2 (BTHLM2). Identifiers: Orphanet 536516, Orphanet 610, MedGen C4225313, MONDO:0034022, OMIM 616471.
Inborn genetic diseases. Identifiers: MedGen C0950123, MeSH D030342.

Allele frequency attached by ClinVar (database versions not stated): ExAC 0.00002; gnomAD 0.00002; gnomAD exomes 0.00002 and 0.00003; TOPMed 0.00002.
gnomAD v4.1: 14 of 1,603,972 alleles (0.00087%); highest among the groups gnomAD compares: Admixed American, 0.024%; no homozygotes.

Submissions (4):

Women's Health and Genetics/Laboratory Corporation of America, LabCorp
Classification: Uncertain significance. Last evaluated: 2026-02-24. Review status: criteria provided, single submitter. Criteria: LabCorp Variant Classification Summary - May 2015. Collection method: clinical testing. Allele origin: germline.
Comment: Variant summary: COL12A1 c.4402G>A (p.Gly1468Arg) results in a non-conservative amino acid change in the encoded protein sequence. Algorithms developed to predict the effect of missense changes on protein structure and function are either unavailable or do not agree on the potential impact of this missense change. The variant allele was found at a frequency of 2.9e-05 in 240926 control chromosomes. The available data on variant occurrences in the general population are insufficient to allow any conclusion about variant significance. To our knowledge, no occurrence of c.4402G>A in individuals affected with COL12A1-related conditions and no experimental evidence demonstrating its impact on protein function have been reported. ClinVar contains an entry for this variant (Variation ID: 1359075). Based on the evidence outlined above, the variant was classified as uncertain significance.

GeneDx
Classification: Uncertain significance. Last evaluated: 2025-12-19. Review status: criteria provided, single submitter. Criteria: GeneDx Variant Classification Process June 2021. Collection method: clinical testing. Allele origin: germline.
Comment: In silico analysis supports that this missense variant has a deleterious effect on protein structure/function; Has not been previously published as pathogenic or benign to our knowledge

Labcorp Genetics (formerly Invitae), Labcorp
Classification: Likely benign for Bethlem myopathy 2; Ullrich congenital muscular dystrophy 2. Last evaluated: 2024-05-31. Review status: criteria provided, single submitter. Criteria: Invitae Variant Classification Sherloc (09022015). Collection method: clinical testing. Allele origin: germline.

Ambry Genetics
Classification: Uncertain significance for Inborn genetic diseases. Last evaluated: 2021-08-23. Review status: criteria provided, single submitter. Criteria: Ambry Variant Classification Scheme 2023. Collection method: clinical testing. Allele origin: germline.

NM_004370.6(COL12A1):c.4402G>A (p.Gly1468Arg)

Gene: COL12A1 (collagen type XII alpha 1 chain; minus strand). Cytogenetic location: 6q13.
Variant type: single nucleotide variant.
Coding change: c.4402G>A on transcript NM_004370.6 (MANE Select); coding-DNA position 4402, G replaced by A.
Protein change: p.Gly1468Arg; replaces glycine 1468 with arginine.
Molecular consequence: missense variant.
Genome position (GRCh38, 1-based): chr6:75,147,690, C>T on the plus strand (G>A on the coding strand, the complement: COL12A1 is on the minus strand). VCF-style: chr6-75147690-C-T. GRCh37 (hg19) VCF-style: chr6-75857406-C-T.
Other names: c.4402G>A (NM_004370.5); c.910G>A, p.Gly304Arg (NM_080645.3); short protein forms G304R, G1468R.
Identifiers: ClinVar variation 1359075 (VCV001359075.12), dbSNP rs771110521, ClinGen allele CA3893461.